The following is an entry in ClinVar:

ClinVar aggregate classification (germline): Likely benign (1 of 4 stars; one submission).

gnomAD v4.1: 9 of 1,614,178 alleles (0.00056%); highest among the groups gnomAD compares: African/African-American, 0.0013%; no homozygotes.

Submission:

CeGaT Center for Human Genetics Tuebingen
Classification: Likely benign. Last evaluated: 2026-09-01. Review status: criteria provided, single submitter. Criteria: CeGaT Center For Human Genetics Tuebingen Variant Classification Criteria Version 2. Collection method: clinical testing. Allele origin: germline. Affected: yes. Observed: 1 variant allele.
Comment: PGBD3: BP4, BP7; ERCC6: BP4, BP7

NM_001277058.2(ERCC6):c.3099T>C (p.Ala1033=)

Genes: ERCC6 (ERCC excision repair 6, chromatin remodeling factor; minus strand), PGBD3 (piggyBac transposable element derived 3; minus strand). Cytogenetic location: 10q11.23.
Variant type: single nucleotide variant.
Coding change: c.3099T>C on transcript NM_001277058.2 (MANE Plus Clinical); coding-DNA position 3099, T replaced by C.
Protein change: p.Ala1033=; no amino-acid change (alanine 1033 retained).
Molecular consequence: synonymous variant. On other transcripts: intron variant (2).
Genome position (GRCh38, 1-based): chr10:49,515,420, A>G on the plus strand (T>C on the coding strand, the complement: ERCC6 is on the minus strand). VCF-style: chr10-49515420-A-G. GRCh37 (hg19) VCF-style: chr10-50723466-A-G.
Other names: c.3099T>C, p.Ala1033= (NM_001277059.2); c.1695T>C, p.Ala565= (NM_170753.3); c.1397+8613T>C (NM_001346440.2, NM_000124.4).
Identifiers: ClinVar variation 5041259 (VCV005041259.1).